The following is an entry in ClinVar:

ClinVar aggregate classification (germline): Conflicting classifications of pathogenicity. Review status: criteria provided, conflicting classifications (1 of 4 stars). 2 submissions from 2 submitters: Uncertain significance (1); Likely benign (1). Last evaluated 2024-10-29.

Conditions:
Inborn genetic diseases. Identifiers: MedGen C0950123, MeSH D030342.

Allele frequency attached by ClinVar (database versions not stated): gnomAD 0.00003; gnomAD exomes 0.00003; TOPMed 0.00003; ESP Exome Variant Server 0.00008.
gnomAD v4.1: 51 of 1,610,228 alleles (0.0032%); highest among the groups gnomAD compares: Non-Finnish European, 0.0042%; no homozygotes.

Submissions (2):

Ambry Genetics
Classification: Uncertain significance for Inborn genetic diseases. Last evaluated: 2024-10-29. Review status: criteria provided, single submitter. Criteria: Ambry Variant Classification Scheme 2023. Collection method: clinical testing. Allele origin: germline.

CeGaT Center for Human Genetics Tuebingen
Classification: Likely benign. Last evaluated: 2024-05-01. Review status: criteria provided, single submitter. Criteria: CeGaT Center For Human Genetics Tuebingen Variant Classification Criteria Version 2. Collection method: clinical testing. Allele origin: germline. Affected: yes. Observed: 1 variant allele.
Comment: LMNB1: BP4

NM_005573.4(LMNB1):c.633G>C (p.Met211Ile)

Gene: LMNB1 (lamin B1; plus strand). Cytogenetic location: 5q23.2.
Variant type: single nucleotide variant.
Coding change: c.633G>C on transcript NM_005573.4 (MANE Select); coding-DNA position 633, G replaced by C.
Protein change: p.Met211Ile; replaces methionine 211 with isoleucine.
Molecular consequence: missense variant. On other transcripts: initiator codon variant (1), non-coding transcript variant (1).
Genome position (GRCh38, 1-based): chr5:126,805,687, G>C. VCF-style: chr5-126805687-G-C. GRCh37 (hg19) VCF-style: chr5-126141379-G-C.
Other names: c.3G>C, p.Met1Ile (NM_001198557.2); short protein forms M1I, M211I.
Identifiers: ClinVar variation 2395805 (VCV002395805.23), dbSNP rs138778484, ClinGen allele CA126914073.
Genomic context (GRCh38, chr5:126,805,687, plus strand): 5'-AGTAGATTTGGAGAATCGTTGTCAGAGCCTTACTGAGGACTTGGAGTTTCGCAAAAGCAT[G>C]TATGAAGAGGTAACTATATATAATTTTGCTTTGTAAAGGAATGGAGGGGTTCTAGAATGA-3'
Protein context (NP_005564.1, residues 201-221): LTEDLEFRKS[Met211Ile]YEEEINETRR